The following is an entry in ClinVar:

NM_201384.3(PLEC):c.13345G>A (p.Ala4449Thr)

Gene: PLEC (plectin; minus strand). Cytogenetic location: 8q24.3.
Variant type: single nucleotide variant.
Coding change: c.13345G>A on transcript NM_201384.3 (MANE Select); coding-DNA position 13345, G replaced by A.
Protein change: p.Ala4449Thr; replaces alanine 4449 with threonine.
Molecular consequence: missense variant.
Genome position (GRCh38, 1-based): chr8:143,916,476, C>T on the plus strand (G>A on the coding strand, the complement: PLEC is on the minus strand). VCF-style: chr8-143916476-C-T. GRCh37 (hg19) VCF-style: chr8-144990644-C-T.
Other names: c.13426G>A (NM_000445.3); c.13426G>A, p.Ala4476Thr (NM_000445.5); c.10045G>A, p.Ala3349Thr (NM_001410941.1); c.13303G>A, p.Ala4435Thr (NM_201378.4); c.13279G>A, p.Ala4427Thr (NM_201379.3); c.13756G>A, p.Ala4586Thr (NM_201380.4); c.13249G>A, p.Ala4417Thr (NM_201381.3); c.13345G>A, p.Ala4449Thr (NM_201382.4); and 1 more; short protein forms A4476T, A4417T, A4453T, A4586T, A3349T, A4427T, A4449T, A4435T.
Identifiers: ClinVar variation 4782517 (VCV004782517.2).

ClinVar aggregate classification (germline): Uncertain significance. Review status: criteria provided, multiple submitters, no conflicts (2 of 4 stars). 2 submissions from 2 submitters: Uncertain significance (2). Last evaluated 2026-08-12.

Conditions:
Epidermolysis bullosa simplex with nail dystrophy (EBS5D). Identifiers: MedGen C4225309, MONDO:0014661, OMIM 616487.
Autosomal recessive limb-girdle muscular dystrophy type 2Q (LGMDR17). Also called: MUSCULAR DYSTROPHY, LIMB-GIRDLE, AUTOSOMAL RECESSIVE 17. Identifiers: Orphanet 254361, MedGen C3150989, MONDO:0013390, OMIM 613723.
Epidermolysis bullosa simplex 5B, with muscular dystrophy (EBS5B). Also called: EPIDERMOLYSIS BULLOSA SIMPLEX AND LIMB-GIRDLE MUSCULAR DYSTROPHY; Epidermolysis bullosa simplex with muscular dystrophy. Identifiers: Orphanet 257, MedGen C2931072, MONDO:0009181, OMIM 226670.
Epidermolysis bullosa simplex, Ogna type (EBS5A). Also called: Pidermolysis bullosa simplex 5A, Ogna type; EPIDERMOLYSIS BULLOSA SIMPLEX 5A, OGNA TYPE. Identifiers: Orphanet 79401, MedGen C0432317, MONDO:0007555, OMIM 131950.
Epidermolysis bullosa simplex 5C, with pyloric atresia (EBS5C). Also called: PLEC-Related Epidermolysis Bullosa with Pyloric Atresia; Epidermolysis bullosa simplex with pyloric atresia; PLEC1-Related Epidermolysis Bullosa with Pyloric Atresia. Identifiers: Orphanet 158684, MedGen C2677349, MONDO:0012807, OMIM 612138.
Inborn genetic diseases. Identifiers: MedGen C0950123, MeSH D030342.

Submissions (2):

Ambry Genetics
Classification: Uncertain significance for Inborn genetic diseases. Last evaluated: 2026-08-12. Review status: criteria provided, single submitter. Criteria: Ambry Variant Classification Scheme 2023. Collection method: clinical testing. Allele origin: germline.

Labcorp Genetics (formerly Invitae), Labcorp
Classification: Uncertain significance for Autosomal recessive limb-girdle muscular dystrophy type 2Q; Epidermolysis bullosa simplex, Ogna type; Epidermolysis bullosa simplex with nail dystrophy; Epidermolysis bullosa simplex 5C, with pyloric atresia; Epidermolysis bullosa simplex 5B, with muscular dystrophy. Last evaluated: 2025-07-22. Review status: criteria provided, single submitter. Criteria: Invitae Variant Classification Sherloc (09022015). Collection method: clinical testing. Allele origin: germline.
Comment: This sequence change replaces alanine, which is neutral and non-polar, with threonine, which is neutral and polar, at codon 4476 of the PLEC protein (p.Ala4476Thr). This variant is present in population databases (rs781912450, gnomAD 0.003%). This variant has not been reported in the literature in individuals affected with PLEC-related conditions. Invitae Evidence Modeling of protein sequence and biophysical properties (such as structural, functional, and spatial information, amino acid conservation, physicochemical variation, residue mobility, and thermodynamic stability) indicates that this missense variant is not expected to disrupt PLEC protein function with a negative predictive value of 80%. In summary, the available evidence is currently insufficient to determine the role of this variant in disease. Therefore, it has been classified as a Variant of Uncertain Significance.